The following is an entry in ClinVar:

NM_004408.4(DNM1):c.2319-5C>G

Genes: DNM1 (dynamin 1; plus strand), LOC130002698 (ATAC-STARR-seq lymphoblastoid silent region 20332; plus strand). Cytogenetic location: 9q34.11.
Variant type: single nucleotide variant.
Coding change: c.2319-5C>G on transcript NM_004408.4 (MANE Select); 5 bases into the intron before coding-DNA position 2319, C replaced by G.
Molecular consequence: intron variant.
Genome position (GRCh38, 1-based): chr9:128,250,720, C>G. VCF-style: chr9-128250720-C-G. GRCh37 (hg19) VCF-style: chr9-131012999-C-G.
Other names: c.2319-5C>G (NM_001005336.3, NM_001288738.2, NM_001288737.2 and 1 more transcripts).
Identifiers: ClinVar variation 509483 (VCV000509483.4), dbSNP rs947802436, ClinGen allele CA200323372.
Genomic context (GRCh38, chr9:128,250,720, plus strand): 5'-GGCCTCTGGGTGGGCGGAGCTGCTCATCTCGCCTCTCCTTGTTCCTCGCTCCCTGTCGCC[C>G]TCAGGTCGCCCACGTCCAGCCCCACGCCGCAGCGCCGAGCCCCCGCCGTGCCCCCAGCCC-3'

ClinVar aggregate classification (germline): Likely benign. Review status: criteria provided, multiple submitters, no conflicts (2 of 4 stars). 2 submissions from 2 submitters: Likely benign (2). Last evaluated 2023-11-10.

Conditions:
Developmental and epileptic encephalopathy, 31A. Also called: Developmental and epileptic encephalopathy, 31; Epileptic encephalopathy, early infantile, 31. Identifiers: Orphanet 2382, MedGen C4225357, MONDO:0014598, OMIM 616346.

Allele frequency attached by ClinVar (database versions not stated): TOPMed below 0.00001.

Submissions (2):

Labcorp Genetics (formerly Invitae), Labcorp
Classification: Likely benign for Developmental and epileptic encephalopathy, 31A. Last evaluated: 2023-11-10. Review status: criteria provided, single submitter. Criteria: Invitae Variant Classification Sherloc (09022015). Collection method: clinical testing. Allele origin: germline.

GeneDx
Classification: Likely benign. Last evaluated: 2017-05-12. Review status: criteria provided, single submitter. Criteria: GeneDx Variant Classification (06012015). Collection method: clinical testing. Allele origin: germline. Affected: yes.
Comment: This variant is considered likely benign or benign based on one or more of the following criteria: it is a conservative change, it occurs at a poorly conserved position in the protein, it is predicted to be benign by multiple in silico algorithms, and/or has population frequency not consistent with disease.